The following is an entry in ClinVar:

NM_000969.5(RPL5):c.619_620insTGTACATCGGAAGCACATCATGGGCCAGAATGTTGCAGATT (p.Tyr207fs)

Genes: DIPK1A (divergent protein kinase domain 1A; minus strand), RPL5 (ribosomal protein L5; plus strand). Cytogenetic location: 1p22.1.
Variant type: Insertion.
Coding change: c.619_620insTGTACATCGGAAGCACATCATGGGCCAGAATGTTGCAGATT on transcript NM_000969.5 (MANE Select); coding-DNA positions 619 to 620, TGTACATCGGAAGCACATCATGGGCCAGAATGTTGCAGATT inserted.
Protein change: p.Tyr207fs; shifts the reading frame from tyrosine 207.
Molecular consequence: frameshift variant. On other transcripts: non-coding transcript variant (1), intron variant (1).
Genome position: GRCh38: chr1:92,837,547-92,837,548. GRCh37 (hg19): chr1:93,303,104-93,303,105.
Other names: c.475-4474_475-4473insAATCTGCAACATTCTGGCCCATGATGTGCTTCCGATGTACA (NM_001252273.2); short protein forms Y207fs.
Identifiers: ClinVar variation 1752117 (VCV001752117.2), dbSNP rs2524462266, ClinGen allele CA2580063325.
Genomic context (GRCh38, chr1:92,837,507, plus strand): 5'-TTATTTTAGTACCAAACGATTCCCTGGTTATGATTCTGAAAGCAAGGAATTTAATGCAGA[A>AGTACATCGGAAGCACATCATGGGCCAGAATGTTGCAGATTT]GTACATCGGAAGCACATCATGGGCCAGAATGTTGCAGATTACATGCGCTACTTAATGGAA-3'

ClinVar aggregate classification (germline): Pathogenic (1 of 4 stars; one submission).

Conditions:
Diamond-Blackfan anemia. Also called: Aase syndrome; Blackfan Diamond syndrome; Aregenerative anemia chronic congenital; Red cell aplasia, pure hereditary; Congenital hypoplastic anemia. Identifiers: Orphanet 124, MedGen C1260899, MeSH D029503, MONDO:0015253, HP:0004810.

Submission:

Ambry Genetics
Classification: Pathogenic for Diamond-Blackfan anemia. Last evaluated: 2021-02-19. Review status: criteria provided, single submitter. Criteria: Ambry Variant Classification Scheme 2023. Collection method: clinical testing. Allele origin: germline.
Comment: The c.619_620ins41 variant, located in coding exon 6 of the RPL5 gene, results from an insertion of 41 nucleotides (TGTACATCGGAAGCACATCATGGGCCAGAATGTTGCAGATT) at position 619, causing a translational frameshift with a predicted alternate stop codon (p.Y207Lfs*19). This alteration is expected to result in loss of function by premature protein truncation or nonsense-mediated mRNA decay. As such, this alteration is interpreted as a disease-causing mutation.